The following is an entry in ClinVar:

ClinVar aggregate classification (germline): Likely benign (1 of 4 stars; one submission).

Allele frequency attached by ClinVar (database versions not stated): TOPMed below 0.00001.

Submission:

CeGaT Center for Human Genetics Tuebingen
Classification: Likely benign. Last evaluated: 2023-07-01. Review status: criteria provided, single submitter. Criteria: CeGaT Center For Human Genetics Tuebingen Variant Classification Criteria Version 2. Collection method: clinical testing. Allele origin: germline. Affected: yes. Observed: 1 variant allele.
Comment: GRIA3: PM2:Supporting, BP4, BP7

NM_007325.5(GRIA3):c.519C>T (p.Ile173=)

Gene: GRIA3 (glutamate ionotropic receptor AMPA type subunit 3; plus strand). Cytogenetic location: Xq25.
Variant type: single nucleotide variant.
Coding change: c.519C>T on transcript NM_007325.5 (MANE Select); coding-DNA position 519, C replaced by T.
Protein change: p.Ile173=; no amino-acid change (isoleucine 173 retained).
Molecular consequence: synonymous variant.
Genome position (GRCh38, 1-based): chrX:123,326,036, C>T. VCF-style: chrX-123326036-C-T. GRCh37 (hg19) VCF-style: chrX-122459887-C-T.
Other names: c.519C>T, p.Ile173= (NM_000828.5).
Identifiers: ClinVar variation 2661345 (VCV002661345.24), dbSNP rs2044900384, ClinGen allele CA518160629.
Genomic context (GRCh38, chrX:123,326,036, plus strand): 5'-TACCTACAGAAAGATTTTTAAATCATTGAAGCTGTTTTTCCTTCCTTCAGGATTTTCCAT[C>T]CTCCAAGCGATTATGGAAGCAGCAGTGCAAAACAACTGGCAAGTAACAGCAAGGTCTGTG-3'
Protein context (NP_015564.5, residues 163-183): YLYDTERGFS[Ile173=]LQAIMEAAVQ